The following is an entry in ClinVar:

ClinVar aggregate classification (germline): Conflicting classifications of pathogenicity. Review status: criteria provided, conflicting classifications (1 of 4 stars). 2 submissions from 2 submitters: Uncertain significance (1); Benign (1). Last evaluated 2025-06-13.

Conditions:
Hereditary cancer-predisposing syndrome. Also called: Neoplastic Syndromes, Hereditary; Hereditary Cancer Syndrome; Hereditary neoplastic syndrome; Tumor predisposition. Identifiers: Orphanet 140162, MedGen C0027672, MeSH D009386, MONDO:0015356.
BAP1-related tumor predisposition syndrome (TPDS1). Also called: COMMON Syndrome; TUMOR PREDISPOSITION SYNDROME 1; Tumor susceptibility linked to germline BAP1 mutations; BAP1 tumor predisposition syndrome. Identifiers: Orphanet 289539, MedGen C3280492, MONDO:0013692, OMIM 614327.

Submissions (2):

Ambry Genetics
Classification: Benign for Hereditary cancer-predisposing syndrome. Last evaluated: 2025-06-13. Review status: criteria provided, single submitter. Criteria: Ambry Variant Classification Scheme 2023. Collection method: clinical testing. Allele origin: germline.

Labcorp Genetics (formerly Invitae), Labcorp
Classification: Uncertain significance for BAP1-related tumor predisposition syndrome. Last evaluated: 2025-03-18. Review status: criteria provided, single submitter. Criteria: Invitae Variant Classification Sherloc (09022015). Collection method: clinical testing. Allele origin: germline.
Comment: This sequence change replaces histidine, which is basic and polar, with tyrosine, which is neutral and polar, at codon 347 of the BAP1 protein (p.His347Tyr). This variant is not present in population databases (gnomAD no frequency). This missense change has been observed in individual(s) with melanoma (PMID: 28062663). ClinVar contains an entry for this variant (Variation ID: 1439949). Invitae Evidence Modeling of protein sequence and biophysical properties (such as structural, functional, and spatial information, amino acid conservation, physicochemical variation, residue mobility, and thermodynamic stability) indicates that this missense variant is not expected to disrupt BAP1 protein function with a negative predictive value of 80%. In summary, the available evidence is currently insufficient to determine the role of this variant in disease. Therefore, it has been classified as a Variant of Uncertain Significance.

Literature cited by the submitters: PubMed 28062663 (cited by Labcorp Genetics (formerly Invitae), Labcorp).

NM_004656.4(BAP1):c.1039C>T (p.His347Tyr)

Gene: BAP1 (BRCA1 associated deubiquitinase 1; minus strand). Cytogenetic location: 3p21.1.
Variant type: single nucleotide variant.
Coding change: c.1039C>T on transcript NM_004656.4 (MANE Select); coding-DNA position 1039, C replaced by T.
Protein change: p.His347Tyr; replaces histidine 347 with tyrosine.
Molecular consequence: missense variant.
Genome position (GRCh38, 1-based): chr3:52,405,187, G>A on the plus strand (C>T on the coding strand, the complement: BAP1 is on the minus strand). VCF-style: chr3-52405187-G-A. GRCh37 (hg19) VCF-style: chr3-52439203-G-A.
Other names: c.1039C>T (NM_004656.2); short protein forms H347Y.
Identifiers: ClinVar variation 1439949 (VCV001439949.9), dbSNP rs954286843, ClinGen allele CA353105811.
Genomic context (GRCh38, chr3:52,405,187, plus strand): 5'-CATAATTGTGATTGTCTAGAAAGGCCGGCAGCCGCTGGACAATGGGAGTGGGGTTGGGGT[G>A]AACCCCATTGAGGCTGCTGCCTGGAGGCTTCACCACTAGCTTGGGTTTGTTGGGAGGGCT-3'
Protein context (NP_004647.1, residues 337-357): KPPGSSLNGV[His347Tyr]PNPTPIVQRL